The following is an entry in ClinVar:

ClinVar aggregate classification (germline): Uncertain significance (1 of 4 stars; one submission).

Conditions:
GLUT1 deficiency syndrome 1, autosomal recessive. Identifiers: MedGen C3149117.

Allele frequency attached by ClinVar (database versions not stated): gnomAD exomes below 0.00001.
gnomAD v4.1: 1 of 1,613,904 alleles (0.000062%); highest among the groups gnomAD compares: Admixed American, 0.0017%; no homozygotes.

Submission:

Labcorp Genetics (formerly Invitae), Labcorp
Classification: Uncertain significance for GLUT1 deficiency syndrome 1, autosomal recessive. Last evaluated: 2019-08-09. Review status: criteria provided, single submitter. Criteria: Invitae Variant Classification Sherloc (09022015). Collection method: clinical testing. Allele origin: germline.
Comment: This sequence change replaces asparagine with aspartic acid at codon 45 of the SLC2A1 protein (p.Asn45Asp). The asparagine residue is moderately conserved and there is a small physicochemical difference between asparagine and aspartic acid. This variant is not present in population databases (ExAC no frequency). This variant has not been reported in the literature in individuals with SLC2A1-related conditions. Algorithms developed to predict the effect of missense changes on protein structure and function are either unavailable or do not agree on the potential impact of this missense change (SIFT: "Tolerated"; PolyPhen-2: "Probably Damaging"; Align-GVGD: "Class C0"). In summary, the available evidence is currently insufficient to determine the role of this variant in disease. Therefore, it has been classified as a Variant of Uncertain Significance.

NM_006516.4(SLC2A1):c.133A>G (p.Asn45Asp)

Gene: SLC2A1 (solute carrier family 2 member 1; minus strand). Cytogenetic location: 1p34.2.
Variant type: single nucleotide variant.
Coding change: c.133A>G on transcript NM_006516.4 (MANE Select); coding-DNA position 133, A replaced by G.
Protein change: p.Asn45Asp; replaces asparagine 45 with aspartic acid.
Molecular consequence: missense variant.
Genome position (GRCh38, 1-based): chr1:42,931,188, T>C on the plus strand (A>G on the coding strand, the complement: SLC2A1 is on the minus strand). VCF-style: chr1-42931188-T-C. GRCh37 (hg19) VCF-style: chr1-43396859-T-C.
Other names: short protein forms N45D.
Identifiers: ClinVar variation 955613 (VCV000955613.10), dbSNP rs1249135503, ClinGen allele CA339962559.